The following is an entry in ClinVar:

NM_001039213.4(CEACAM16):c.92C>T (p.Pro31Leu)

Genes: CEACAM16 (CEA cell adhesion molecule 16, tectorial membrane component; plus strand), CEACAM16-AS1 (CEACAM16, CEACAM19 and PVR antisense RNA 1; minus strand). Cytogenetic location: 19q13.32.
Variant type: single nucleotide variant.
Coding change: c.92C>T on transcript NM_001039213.4 (MANE Select); coding-DNA position 92, C replaced by T.
Protein change: p.Pro31Leu; replaces proline 31 with leucine.
Molecular consequence: missense variant.
Genome position (GRCh38, 1-based): chr19:44,703,403, C>T. VCF-style: chr19-44703403-C-T. GRCh37 (hg19) VCF-style: chr19-45206673-C-T.
Other names: short protein forms P31L.
Identifiers: ClinVar variation 1307337 (VCV001307337.4), dbSNP rs769083688, ClinGen allele CA9502946.

ClinVar aggregate classification (germline): Uncertain significance. Review status: criteria provided, multiple submitters, no conflicts (2 of 4 stars). 3 submissions from 3 submitters: Uncertain significance (3). Last evaluated 2026-04-25.

Conditions:
CEACAM16-related disorder. Also called: CEACAM16-related condition.

Allele frequency attached by ClinVar (database versions not stated): gnomAD 0.00001; TOPMed 0.00002; ExAC 0.00004; gnomAD exomes 0.00004 and 0.00008.
gnomAD v4.1: 114 of 1,613,658 alleles (0.0071%); highest among the groups gnomAD compares: Middle Eastern, 0.033%; no homozygotes.

Submissions (3):

PreventionGenetics, part of Exact Sciences
Classification: Uncertain significance for CEACAM16-related condition. Last evaluated: 2026-04-25. Review status: criteria provided, single submitter. Criteria: ACMG Guidelines, 2015. Collection method: clinical testing. Allele origin: germline.
Comment: The CEACAM16 c.92C>T variant is predicted to result in the amino acid substitution p.Pro31Leu. To our knowledge, this variant has not been reported in the literature. This variant is reported in 0.0080% of alleles in individuals of European (Non-Finnish) descent in gnomAD. At this time, the clinical significance of this variant is uncertain due to the absence of conclusive functional and genetic evidence.

Blueprint Genetics
Classification: Uncertain significance. Last evaluated: 2024-09-10. Review status: criteria provided, single submitter. Criteria: ACMG Guidelines, 2015. Collection method: clinical testing. Allele origin: germline.

GeneDx
Classification: Uncertain significance. Last evaluated: 2019-09-13. Review status: criteria provided, single submitter. Criteria: GeneDx Variant Classification Process June 2021. Collection method: clinical testing. Allele origin: germline. Affected: yes.
Comment: In silico analysis, which includes protein predictors and evolutionary conservation, supports that this variant does not alter protein structure/function; Has not been previously published as pathogenic or benign to our knowledge